The following is an entry in ClinVar:

ClinVar aggregate classification (germline): Uncertain significance. Review status: criteria provided, multiple submitters, no conflicts (2 of 4 stars). 2 submissions from 2 submitters: Uncertain significance (2). Last evaluated 2025-09-29.

Allele frequency attached by ClinVar (database versions not stated): gnomAD exomes 0.00001 and 0.00002; ExAC 0.00002; TOPMed 0.00011; gnomAD 0.00012 and 0.00013; ESP Exome Variant Server 0.00015; 1000 Genomes Project 30x 0.00016; 1000 Genomes Project 0.00020.
gnomAD v4.1: 35 of 1,614,188 alleles (0.0022%); highest among the groups gnomAD compares: African/African-American, 0.04%; no homozygotes.

Submissions (2):

Labcorp Genetics (formerly Invitae), Labcorp
Classification: Uncertain significance. Last evaluated: 2025-09-29. Review status: criteria provided, single submitter. Criteria: Invitae Variant Classification Sherloc (09022015). Collection method: clinical testing. Allele origin: germline.
Comment: This sequence change replaces methionine, which is neutral and non-polar, with isoleucine, which is neutral and non-polar, at codon 516 of the SLC7A14 protein (p.Met516Ile). This variant is present in population databases (rs115446306, gnomAD 0.04%). This variant has not been reported in the literature in individuals affected with SLC7A14-related conditions. ClinVar contains an entry for this variant (Variation ID: 1353248). An algorithm developed to predict the effect of missense changes on protein structure and function outputs the following: PolyPhen-2: "Benign". The isoleucine amino acid residue is found in multiple mammalian species, which suggests that this missense change does not adversely affect protein function. In summary, the available evidence is currently insufficient to determine the role of this variant in disease. Therefore, it has been classified as a Variant of Uncertain Significance.

Ambry Genetics
Classification: Uncertain significance. Last evaluated: 2024-12-16. Review status: criteria provided, single submitter. Criteria: Ambry Variant Classification Scheme 2023. Collection method: clinical testing. Allele origin: germline.

NM_020949.3(SLC7A14):c.1548G>C (p.Met516Ile)

Genes: SLC7A14 (solute carrier family 7 member 14; minus strand), SLC7A14-AS1 (SLC7A14 antisense RNA 1; plus strand). Cytogenetic location: 3q26.2.
Variant type: single nucleotide variant.
Coding change: c.1548G>C on transcript NM_020949.3 (MANE Select); coding-DNA position 1548, G replaced by C.
Protein change: p.Met516Ile; replaces methionine 516 with isoleucine.
Molecular consequence: missense variant.
Genome position (GRCh38, 1-based): chr3:170,480,734, C>G on the plus strand (G>C on the coding strand, the complement: SLC7A14 is on the minus strand). VCF-style: chr3-170480734-C-G. GRCh37 (hg19) VCF-style: chr3-170198523-C-G.
Other names: c.1548G>C (NM_020949.2); short protein forms M516I.
Identifiers: ClinVar variation 1353248 (VCV001353248.7), dbSNP rs115446306, ClinGen allele CA2701607.